The following is an entry in ClinVar:

ClinVar aggregate classification (germline): Uncertain significance (1 of 4 stars; one submission).

Conditions:
Joubert syndrome. Also called: JOUBERT-BOLTSHAUSER SYNDROME; Familial aplasia of the vermis. Identifiers: Orphanet 475, MedGen C5979921, MONDO:0018772.
Meckel-Gruber syndrome. Also called: Dysencephalia splachnocystica; DYSENCEPHALIA SPLANCHNOCYSTICA; GRUBER SYNDROME. Identifiers: Orphanet 564, MedGen C0265215, MONDO:0018921.

gnomAD v4.1: 1 of 1,605,024 alleles (0.000062%); highest among the groups gnomAD compares: Non-Finnish European, 0.000085%; no homozygotes.

Submission:

Labcorp Genetics (formerly Invitae), Labcorp
Classification: Uncertain significance for Joubert syndrome; Meckel-Gruber syndrome. Last evaluated: 2023-09-11. Review status: criteria provided, single submitter. Criteria: Invitae Variant Classification Sherloc (09022015). Collection method: clinical testing. Allele origin: germline.
Comment: In summary, the available evidence is currently insufficient to determine the role of this variant in disease. Therefore, it has been classified as a Variant of Uncertain Significance. Advanced modeling of protein sequence and biophysical properties (such as structural, functional, and spatial information, amino acid conservation, physicochemical variation, residue mobility, and thermodynamic stability) performed at Invitae indicates that this missense variant is not expected to disrupt CC2D2A protein function. ClinVar contains an entry for this variant (Variation ID: 1040201). This variant has not been reported in the literature in individuals affected with CC2D2A-related conditions. This variant is not present in population databases (gnomAD no frequency). This sequence change replaces valine, which is neutral and non-polar, with alanine, which is neutral and non-polar, at codon 651 of the CC2D2A protein (p.Val651Ala).

NM_001378615.1(CC2D2A):c.1952T>C (p.Val651Ala)

Genes: CC2D2A (coiled-coil and C2 domain containing 2A; plus strand), FBXL5 (F-box and leucine rich repeat protein 5; minus strand). Cytogenetic location: 4p15.32.
Variant type: single nucleotide variant.
Coding change: c.1952T>C on transcript NM_001378615.1 (MANE Select); coding-DNA position 1952, T replaced by C.
Protein change: p.Val651Ala; replaces valine 651 with alanine.
Molecular consequence: missense variant.
Genome position (GRCh38, 1-based): chr4:15,538,086, T>C. VCF-style: chr4-15538086-T-C. GRCh37 (hg19) VCF-style: chr4-15539709-T-C.
Other names: c.1952T>C, p.Val651Ala (NM_001080522.2); c.1805T>C, p.Val602Ala (NM_001378617.1); short protein forms V651A, V602A.
Identifiers: ClinVar variation 1040201 (VCV001040201.9), dbSNP rs762298895, ClinGen allele CA356411929.
Genomic context (GRCh38, chr4:15,538,086, plus strand): 5'-AGCAGGAGGTGAGGGAGAGAGCAGCCCAGAGCAGGAGGAGGCCTTGGGAGCCCACGCTGG[T>C]CCCGGAGCTAAGCCTGGCAGGAAGCGTAACACCCAATGACCAGTGCCCCAGGTGAGTGGA-3'
Protein context (NP_001365544.1, residues 641-661): SRRRPWEPTL[Val651Ala]PELSLAGSVT